The following is an entry in ClinVar:

ClinVar aggregate classification (germline): Uncertain significance (1 of 4 stars; one submission).

Submission:

Labcorp Genetics (formerly Invitae), Labcorp
Classification: Uncertain significance. Last evaluated: 2025-03-26. Review status: criteria provided, single submitter. Criteria: Invitae Variant Classification Sherloc (09022015). Collection method: clinical testing. Allele origin: germline.
Comment: This sequence change replaces serine, which is neutral and polar, with glycine, which is neutral and non-polar, at codon 1324 of the ABCC8 protein (p.Ser1324Gly). This variant is not present in population databases (gnomAD no frequency). This variant has not been reported in the literature in individuals affected with ABCC8-related conditions. Invitae Evidence Modeling of protein sequence and biophysical properties (such as structural, functional, and spatial information, amino acid conservation, physicochemical variation, residue mobility, and thermodynamic stability) has been performed for this missense variant. However, the output from this modeling did not meet the statistical confidence thresholds required to predict the impact of this variant on ABCC8 protein function. In summary, the available evidence is currently insufficient to determine the role of this variant in disease. Therefore, it has been classified as a Variant of Uncertain Significance.

NM_000352.6(ABCC8):c.3970A>G (p.Ser1324Gly)

Gene: ABCC8 (ATP binding cassette subfamily C member 8; minus strand). Cytogenetic location: 11p15.1.
Variant type: single nucleotide variant.
Coding change: c.3970A>G on transcript NM_000352.6 (MANE Select); coding-DNA position 3970, A replaced by G.
Protein change: p.Ser1324Gly; replaces serine 1324 with glycine.
Molecular consequence: missense variant. On other transcripts: non-coding transcript variant (1).
Genome position (GRCh38, 1-based): chr11:17,397,211, T>C on the plus strand (A>G on the coding strand, the complement: ABCC8 is on the minus strand). VCF-style: chr11-17397211-T-C. GRCh37 (hg19) VCF-style: chr11-17418758-T-C.
Other names: c.3973A>G, p.Ser1325Gly (NM_001287174.3); c.4036A>G, p.Ser1346Gly (NM_001351295.2); c.3970A>G, p.Ser1324Gly (NM_001351296.2); c.3967A>G, p.Ser1323Gly (NM_001351297.2); short protein forms S1324G, S1325G, S1323G, S1346G.
Identifiers: ClinVar variation 4694275 (VCV004694275.1).
Genomic context (GRCh38, chr11:17,397,211, plus strand): 5'-CCTCCTTGGACTCTTCCCCACCCCTCTCCCTGAGCCTCTCACCCAGGAGCCCCTCGTAGC[T>C]CTCTGCCTCGGTTTTCAGGAGCCCATGGATGCGCTTCACAGCCCCCAGCTGGAGCTCCAT-3'
Protein context (NP_000343.2, residues 1314-1334): IHGLLKTEAE[Ser1324Gly]YEGLLAPSLI